The following is an entry in ClinVar:

ClinVar aggregate classification (germline): Pathogenic. Review status: criteria provided, multiple submitters, no conflicts (2 of 4 stars). 2 submissions from 2 submitters: Pathogenic (2). Last evaluated 2024-03-12.

Conditions:
Hereditary cancer-predisposing syndrome. Also called: Neoplastic Syndromes, Hereditary; Hereditary Cancer Syndrome; Hereditary neoplastic syndrome; Tumor predisposition. Identifiers: Orphanet 140162, MedGen C0027672, MeSH D009386, MONDO:0015356.
Hereditary breast ovarian cancer syndrome. Also called: Hereditary breast and ovarian cancer syndrome (HBOC); Hereditary breast and ovarian cancer syndrome; Breast and ovarian cancer; BRCA1- and BRCA2-Associated Hereditary Breast and Ovarian Cancer; Hereditary breast and ovarian cancer; Hereditary breast and/or ovarian cancer syndrome. Identifiers: Orphanet 145, MedGen C0677776, MeSH D061325, MONDO:0003582. Disease mechanism: loss of function.

Submissions (2):

Ambry Genetics
Classification: Pathogenic for Hereditary cancer-predisposing syndrome. Last evaluated: 2024-03-12. Review status: criteria provided, single submitter. Criteria: Ambry Variant Classification Scheme 2023. Collection method: clinical testing. Allele origin: germline.
Comment: The c.6981_7005del25 pathogenic mutation, located in coding exon 12 of the BRCA2 gene, results from a deletion of 25 nucleotides at nucleotide positions 6981 to 7005, causing a translational frameshift with a predicted alternate stop codon (p.L2327Ffs*32). This alteration is expected to result in loss of function by premature protein truncation or nonsense-mediated mRNA decay. As such, this alteration is interpreted as a disease-causing mutation.

Labcorp Genetics (formerly Invitae), Labcorp
Classification: Pathogenic for Hereditary breast ovarian cancer syndrome. Last evaluated: 2021-09-18. Review status: criteria provided, single submitter. Criteria: Invitae Variant Classification Sherloc (09022015). Collection method: clinical testing. Allele origin: germline.
Comment: This sequence change creates a premature translational stop signal (p.Leu2327Phefs*32) in the BRCA2 gene. It is expected to result in an absent or disrupted protein product. Loss-of-function variants in BRCA2 are known to be pathogenic (PMID: 20104584). This variant is not present in population databases (ExAC no frequency). This variant has not been reported in the literature in individuals affected with BRCA2-related conditions. ClinVar contains an entry for this variant (Variation ID: 479291). For these reasons, this variant has been classified as Pathogenic.

Literature cited by the submitters: PubMed 20104584 (cited by Labcorp Genetics (formerly Invitae), Labcorp).

NM_000059.4(BRCA2):c.6981_7005del (p.Leu2327fs)

Gene: BRCA2 (BRCA2 DNA repair associated; plus strand). Cytogenetic location: 13q13.1.
Variant type: Deletion.
Coding change: c.6981_7005del on transcript NM_000059.4 (MANE Select); coding-DNA positions 6981 to 7005, 25 bases deleted (AGAGCCGATTACCTGTGTACCCTTT).
Protein change: p.Leu2327fs; shifts the reading frame from leucine 2327.
Molecular consequence: frameshift variant.
Genome position (GRCh38, 1-based): chr13:32,346,870-32,346,894, AGAGCCGATTACCTGTGTACCCTTT deleted; deleting any 25 consecutive bases within chr13:32,346,866-32,346,894 gives the same sequence; the c. name uses the placement nearest the transcript's 3' end. VCF-style (leftmost placement, unchanged base first): chr13-32346865-TCTTTAGAGCCGATTACCTGTGTACC-T. GRCh37 (hg19) VCF-style: chr13-32921002-TCTTTAGAGCCGATTACCTGTGTACC-T.
Other names: c.6981_7005del25 (NM_000059.3); short protein forms L2327fs.
Identifiers: ClinVar variation 479291 (VCV000479291.11), dbSNP rs1555285350, ClinGen allele CA658656387.